The following is an entry in ClinVar:

NM_005450.6(NOG):c.359T>C (p.Ile120Thr)

Gene: NOG (noggin; plus strand). Cytogenetic location: 17q22.
Variant type: single nucleotide variant.
Coding change: c.359T>C on transcript NM_005450.6 (MANE Select); coding-DNA position 359, T replaced by C.
Protein change: p.Ile120Thr; replaces isoleucine 120 with threonine.
Molecular consequence: missense variant.
Genome position (GRCh38, 1-based): chr17:56,594,582, T>C. VCF-style: chr17-56594582-T-C. GRCh37 (hg19) VCF-style: chr17-54671943-T-C.
Other names: short protein forms I120T.
Identifiers: ClinVar variation 3681125 (VCV003681125.2).

ClinVar aggregate classification (germline): Uncertain significance (1 of 4 stars; one submission).

gnomAD v4.1: 2 of 1,605,478 alleles (0.00012%); highest among the groups gnomAD compares: Non-Finnish European, 0.00017%; no homozygotes.

Submission:

Labcorp Genetics (formerly Invitae), Labcorp
Classification: Uncertain significance. Last evaluated: 2024-10-28. Review status: criteria provided, single submitter. Criteria: Invitae Variant Classification Sherloc (09022015). Collection method: clinical testing. Allele origin: germline.
Comment: This sequence change replaces isoleucine, which is neutral and non-polar, with threonine, which is neutral and polar, at codon 120 of the NOG protein (p.Ile120Thr). This variant is not present in population databases (gnomAD no frequency). This variant has not been reported in the literature in individuals affected with NOG-related conditions. An algorithm developed to predict the effect of missense changes on protein structure and function (PolyPhen-2) suggests that this variant is likely to be disruptive. In summary, the available evidence is currently insufficient to determine the role of this variant in disease. Therefore, it has been classified as a Variant of Uncertain Significance.